The following is an entry in ClinVar:

ClinVar aggregate classification (germline): Uncertain significance (1 of 4 stars; one submission).

Allele frequency attached by ClinVar (database versions not stated): ESP Exome Variant Server 0.00008.
gnomAD v4.1: 14 of 1,580,322 alleles (0.00089%); highest among the groups gnomAD compares: Non-Finnish European, 0.0012%; no homozygotes.

Submission:

Labcorp Genetics (formerly Invitae), Labcorp
Classification: Uncertain significance. Last evaluated: 2023-06-28. Review status: criteria provided, single submitter. Criteria: Invitae Variant Classification Sherloc (09022015). Collection method: clinical testing. Allele origin: germline.
Comment: In summary, the available evidence is currently insufficient to determine the role of this variant in disease. Therefore, it has been classified as a Variant of Uncertain Significance. An algorithm developed to predict the effect of missense changes on protein structure and function (PolyPhen-2) suggests that this variant is likely to be disruptive. This variant has not been reported in the literature in individuals affected with PLEKHG2-related conditions. The frequency data for this variant in the population databases is considered unreliable, as metrics indicate poor data quality at this position in the gnomAD database. This sequence change replaces arginine, which is basic and polar, with proline, which is neutral and non-polar, at codon 818 of the PLEKHG2 protein (p.Arg818Pro).

NM_022835.3(PLEKHG2):c.2453G>C (p.Arg818Pro)

Gene: PLEKHG2 (pleckstrin homology and RhoGEF domain containing G2; plus strand). Cytogenetic location: 19q13.2.
Variant type: single nucleotide variant.
Coding change: c.2453G>C on transcript NM_022835.3 (MANE Select); coding-DNA position 2453, G replaced by C.
Protein change: p.Arg818Pro; replaces arginine 818 with proline.
Molecular consequence: missense variant. On other transcripts: intron variant (1).
Genome position (GRCh38, 1-based): chr19:39,423,507, G>C. VCF-style: chr19-39423507-G-C. GRCh37 (hg19) VCF-style: chr19-39914147-G-C.
Other names: c.2276G>C, p.Arg759Pro (NM_001351693.2); c.1677+1219G>C (NM_001351694.2); short protein forms R818P, R759P.
Identifiers: ClinVar variation 2838278 (VCV002838278.3), dbSNP rs376239611, ClinGen allele CA9429779.